The following is an entry in ClinVar:

NM_001953.5(TYMP):c.1001T>G (p.Leu334Arg)

Genes: SCO2 (synthesis of cytochrome C oxidase 2; minus strand), TYMP (thymidine phosphorylase; minus strand), LOC130067862 (ATAC-STARR-seq lymphoblastoid silent region 13986; plus strand). Cytogenetic location: 22q13.33.
Variant type: single nucleotide variant.
Coding change: c.1001T>G on transcript NM_001953.5 (MANE Select); coding-DNA position 1001, T replaced by G.
Protein change: p.Leu334Arg; replaces leucine 334 with arginine.
Molecular consequence: missense variant. On other transcripts: 5 prime UTR variant (1).
Genome position (GRCh38, 1-based): chr22:50,526,404, A>C on the plus strand (T>G on the coding strand, the complement: TYMP is on the minus strand). VCF-style: chr22-50526404-A-C. GRCh37 (hg19) VCF-style: chr22-50964833-A-C.
Other names: c.1001T>G, p.Leu334Arg (NM_001113755.3, NM_001113756.3, NM_001257988.1 and 1 more transcripts); c.-172T>G (NM_001169109.2); short protein forms L334R.
Identifiers: ClinVar variation 694442 (VCV000694442.3), dbSNP rs1251044974, ClinGen allele CA412198033.

ClinVar aggregate classification (germline): Likely pathogenic (1 of 4 stars; one submission).

Conditions:
Mitochondrial DNA depletion syndrome 1. Also called: Mitochondrial Neurogastrointestinal Encephalopathy Disease; Mitochondrial DNA Depletion Syndrome, MNGIE Form; Mitochondrial neurogastrointestinal encephalomyopathy syndrome; Mitochondrial DNA depletion syndrome 1 (MNGIE type); POLIP SYNDROME; POLYNEUROPATHY, OPHTHALMOPLEGIA, LEUKOENCEPHALOPATHY, AND INTESTINAL PSEUDOOBSTRUCTION. Identifiers: Orphanet 298, MedGen C4551995, MONDO:0011283, OMIM 603041.

Allele frequency attached by ClinVar (database versions not stated): gnomAD exomes 0.00001.
gnomAD v4.1: 2 of 1,517,074 alleles (0.00013%); highest among the groups gnomAD compares: South Asian, 0.0024%; no homozygotes.

Submission:

Laboratory of Inherited Metabolic Diseases, Research centre for medical genetics
Classification: Likely pathogenic for Mitochondrial DNA depletion syndrome 1. Last evaluated: 2019-07-17. Review status: criteria provided, single submitter. Criteria: ACMG Guidelines, 2015. Collection method: clinical testing. Allele origin: germline. Inheritance: Autosomal recessive inheritance. Affected: yes.
Comment: found in homozygous state

Literature cited by the submitters: DOI 10.17 650 / 2222-8721-2015-5-2-44-54.